The following is an entry in ClinVar:

NC_000015.9:g.(?_101549022)_(101719205_?)dup

Genes: CHSY1 (chondroitin sulfate synthase 1; minus strand), LRRK1 (leucine rich repeat kinase 1; plus strand). Cytogenetic location: 15q26.3.
Variant type: Duplication.
Identifiers: ClinVar variation 2426854 (VCV002426854.4).

ClinVar aggregate classification (germline): Uncertain significance (1 of 4 stars; one submission).

Submission:

Labcorp Genetics (formerly Invitae), Labcorp
Classification: Uncertain significance. Last evaluated: 2022-10-17. Review status: criteria provided, single submitter. Criteria: Invitae Variant Classification Sherloc (09022015). Collection method: clinical testing. Allele origin: germline.
Comment: In summary, the available evidence is currently insufficient to determine the role of this variant in disease. Therefore, it has been classified as a Variant of Uncertain Significance. This variant has not been reported in the literature in individuals affected with LRRK1-related conditions. This variant results in a copy number gain of the genomic region encompassing exon(s) 7-34 of the LRRK1 gene. This region includes the termination codon of the gene. This copy number gain extends beyond the assayed region for this gene and therefore may encompass additional genes. As the precise location of this event is unknown, it may be in tandem or it may be located elsewhere in the genome.